The following is an entry in ClinVar:

ClinVar aggregate classification (germline): Uncertain significance (1 of 4 stars; one submission).

Submission:

GeneDx
Classification: Uncertain significance. Last evaluated: 2026-07-10. Review status: criteria provided, single submitter. Criteria: GeneDx Variant Classification Process June 2021. Collection method: clinical testing. Allele origin: germline.
Comment: Not observed at significant frequency in large population cohorts (gnomAD); In silico analysis suggests that this missense variant does not alter protein structure/function; Has not been previously published as pathogenic or benign to our knowledge

NM_014927.5(CNKSR2):c.2479G>A (p.Ala827Thr)

Gene: CNKSR2 (connector enhancer of kinase suppressor of Ras 2; plus strand). Cytogenetic location: Xp22.12.
Variant type: single nucleotide variant.
Coding change: c.2479G>A on transcript NM_014927.5 (MANE Select); coding-DNA position 2479, G replaced by A.
Protein change: p.Ala827Thr; replaces alanine 827 with threonine.
Molecular consequence: missense variant.
Genome position (GRCh38, 1-based): chrX:21,609,404, G>A. VCF-style: chrX-21609404-G-A. GRCh37 (hg19) VCF-style: chrX-21627522-G-A.
Other names: c.2389G>A, p.Ala797Thr (NM_001168647.3, NM_001330773.2); c.2479G>A, p.Ala827Thr (NM_001168648.3); c.2332G>A, p.Ala778Thr (NM_001168649.3, NM_001330770.2); c.2242G>A, p.Ala748Thr (NM_001330771.2, NM_001330772.2); short protein forms A748T, A778T, A797T, A827T.
Identifiers: ClinVar variation 3893602 (VCV003893602.2).
Genomic context (GRCh38, chrX:21,609,404, plus strand): 5'-CAGTCTACCCTGCCAACTCAGAAATGCCACCTGCAGGATCACTATGGGCCATACCCCTTA[G>A]CTGAGAGTGAGAGGATGCAAGTGCTAAATGGAAATGGGGGCAAGCCTCGAAGTTTTACTC-3'
Protein context (NP_055742.2, residues 817-837): LQDHYGPYPL[Ala827Thr]ESERMQVLNG